The following is an entry in ClinVar:

NM_012064.4(MIP):c.638G>A (p.Gly213Asp)

Gene: MIP (major intrinsic protein of lens fiber; minus strand). Cytogenetic location: 12q13.3.
Variant type: single nucleotide variant.
Coding change: c.638G>A on transcript NM_012064.4 (MANE Select); coding-DNA position 638, G replaced by A.
Protein change: p.Gly213Asp; replaces glycine 213 with aspartic acid.
Molecular consequence: missense variant.
Genome position (GRCh38, 1-based): chr12:56,451,434, C>T on the plus strand (G>A on the coding strand, the complement: MIP is on the minus strand). VCF-style: chr12-56451434-C-T. GRCh37 (hg19) VCF-style: chr12-56845218-C-T.
Other names: short protein forms G213D.
Identifiers: ClinVar variation 2429698 (VCV002429698.1), dbSNP rs1349100721, ClinGen allele CA385269948.

ClinVar aggregate classification (germline): Uncertain significance (1 of 4 stars; one submission).

Submission:

GeneDx
Classification: Uncertain significance. Last evaluated: 2022-08-10. Review status: criteria provided, single submitter. Criteria: GeneDx Variant Classification Process June 2021. Collection method: clinical testing. Allele origin: germline. Affected: yes.
Comment: Not observed at significant frequency in large population cohorts (gnomAD); In silico analysis supports that this missense variant does not alter protein structure/function; Has not been previously published as pathogenic or benign to our knowledge